The following is an entry in ClinVar:

NM_000435.3(NOTCH3):c.3838C>T (p.Pro1280Ser)

Gene: NOTCH3 (notch receptor 3; minus strand). Cytogenetic location: 19p13.12.
Variant type: single nucleotide variant.
Coding change: c.3838C>T on transcript NM_000435.3 (MANE Select); coding-DNA position 3838, C replaced by T.
Protein change: p.Pro1280Ser; replaces proline 1280 with serine.
Molecular consequence: missense variant.
Genome position (GRCh38, 1-based): chr19:15,178,090, G>A on the plus strand (C>T on the coding strand, the complement: NOTCH3 is on the minus strand). VCF-style: chr19-15178090-G-A. GRCh37 (hg19) VCF-style: chr19-15288901-G-A.
Other names: c.3838C>T (NM_000435.2); short protein forms P1280S.
Identifiers: ClinVar variation 2201586 (VCV002201586.7), dbSNP rs958354298, ClinGen allele CA305769021.

ClinVar aggregate classification (germline): Uncertain significance. Review status: criteria provided, multiple submitters, no conflicts (2 of 4 stars). 4 submissions from 4 submitters: Uncertain significance (3). 1 of the submissions does not count toward it. Last evaluated 2024-06-17.

Conditions:
NOTCH3-related disorder. Also called: NOTCH3-related condition; NOTCH3-related disorders.

gnomAD v4.1: 67 of 1,518,770 alleles (0.0044%); highest among the groups gnomAD compares: Non-Finnish European, 0.0056%; no homozygotes.

Submissions (4):

Labcorp Genetics (formerly Invitae), Labcorp
Classification: Uncertain significance. Last evaluated: 2024-06-17. Review status: criteria provided, single submitter. Criteria: Invitae Variant Classification Sherloc (09022015). Collection method: clinical testing. Allele origin: germline.
Comment: This sequence change replaces proline, which is neutral and non-polar, with serine, which is neutral and polar, at codon 1280 of the NOTCH3 protein (p.Pro1280Ser). The frequency data for this variant in the population databases is considered unreliable, as metrics indicate poor data quality at this position in the gnomAD database. This variant has not been reported in the literature in individuals affected with NOTCH3-related conditions. ClinVar contains an entry for this variant (Variation ID: 2201586). An algorithm developed to predict the effect of missense changes on protein structure and function (PolyPhen-2) suggests that this variant is likely to be tolerated. In summary, the available evidence is currently insufficient to determine the role of this variant in disease. Therefore, it has been classified as a Variant of Uncertain Significance.

Athena Diagnostics
Classification: Uncertain significance. Last evaluated: 2024-03-05. Review status: criteria provided, single submitter. Criteria: Athena Diagnostics Criteria. Collection method: clinical testing. Allele origin: unknown.
Comment: Available data are insufficient to determine the clinical significance of the variant at this time. The frequency of this variant in the general population is uninformative in assessment of its pathogenicity. Computational tools predict that this variant is not damaging. Greater than 90% of NOTCH3 pathogenic variants associated with CADASIL involve the gain or loss of a cysteine residue within the epidermal growth factor (EGF)-like repeat domain (PMID: 32457593, 20301673).

Blueprint Genetics
Classification: Uncertain significance. Last evaluated: 2024-01-12. Review status: criteria provided, single submitter. Criteria: ACMG Guidelines, 2015. Collection method: clinical testing. Allele origin: germline.

PreventionGenetics, part of Exact Sciences
Classification: Uncertain significance for NOTCH3-related condition. Last evaluated: 2024-08-23. Review status: no assertion criteria provided. Collection method: clinical testing. Allele origin: germline. Not counted in ClinVar's aggregate classification.
Comment: The NOTCH3 c.3838C>T variant is predicted to result in the amino acid substitution p.Pro1280Ser. To our knowledge, this variant has not been reported in the literature. This variant is reported in 0.0043% of alleles in individuals of Latino descent in gnomAD. At this time, the clinical significance of this variant is uncertain due to the absence of conclusive functional and genetic evidence.